The following is an entry in ClinVar:

NM_001701.4(BAAT):c.37G>A (p.Val13Ile)

Gene: BAAT (bile acid-CoA:amino acid N-acyltransferase; minus strand). Cytogenetic location: 9q31.1.
Variant type: single nucleotide variant.
Coding change: c.37G>A on transcript NM_001701.4 (MANE Select); coding-DNA position 37, G replaced by A.
Protein change: p.Val13Ile; replaces valine 13 with isoleucine.
Molecular consequence: missense variant.
Genome position (GRCh38, 1-based): chr9:101,371,368, C>T on the plus strand (G>A on the coding strand, the complement: BAAT is on the minus strand). VCF-style: chr9-101371368-C-T. GRCh37 (hg19) VCF-style: chr9-104133650-C-T.
Other names: c.37G>A, p.Val13Ile (NM_001127610.2, NM_001374715.1); short protein forms V13I.
Identifiers: ClinVar variation 4989120 (VCV004989120.1).

ClinVar aggregate classification (germline): Uncertain significance (1 of 4 stars; one submission).

Conditions:
BAAT-related disorder. Also called: BAAT-related condition.

Submission:

PreventionGenetics, part of Exact Sciences
Classification: Uncertain significance for BAAT-related condition. Last evaluated: 2025-06-24. Review status: criteria provided, single submitter. Criteria: ACMG Guidelines, 2015. Collection method: clinical testing. Allele origin: germline.
Comment: The BAAT c.37G>A variant is predicted to result in the amino acid substitution p.Val13Ile. To our knowledge, this variant has not been reported in the literature or in a large population database (gnomAD), indicating this variant is rare. At this time, the clinical significance of this variant is uncertain due to the absence of conclusive functional and genetic evidence.